The following is an entry in ClinVar:

ClinVar aggregate classification (germline): Uncertain significance (1 of 4 stars; one submission).

Conditions:
RASopathy. Also called: rasopathies; Noonan spectrum disorder. Identifiers: Orphanet 536391, MedGen C5555857, MONDO:0021060.

Submission:

Labcorp Genetics (formerly Invitae), Labcorp
Classification: Uncertain significance for RASopathy. Last evaluated: 2022-04-01. Review status: criteria provided, single submitter. Criteria: Invitae Variant Classification Sherloc (09022015). Collection method: clinical testing. Allele origin: germline.
Comment: This sequence change replaces arginine, which is basic and polar, with glycine, which is neutral and non-polar, at codon 190 of the SHOC2 protein (p.Arg190Gly). This variant is not present in population databases (gnomAD no frequency). This variant has not been reported in the literature in individuals affected with SHOC2-related conditions. Algorithms developed to predict the effect of missense changes on protein structure and function are either unavailable or do not agree on the potential impact of this missense change (SIFT: "Deleterious"; PolyPhen-2: "Benign"; Align-GVGD: "Class C0"). In summary, the available evidence is currently insufficient to determine the role of this variant in disease. Therefore, it has been classified as a Variant of Uncertain Significance.

NM_007373.4(SHOC2):c.568A>G (p.Arg190Gly)

Gene: SHOC2 (SHOC2 leucine rich repeat scaffold protein; plus strand). Cytogenetic location: 10q25.2.
Variant type: single nucleotide variant.
Coding change: c.568A>G on transcript NM_007373.4 (MANE Select); coding-DNA position 568, A replaced by G.
Protein change: p.Arg190Gly; replaces arginine 190 with glycine.
Molecular consequence: missense variant.
Genome position (GRCh38, 1-based): chr10:110,964,926, A>G. VCF-style: chr10-110964926-A-G. GRCh37 (hg19) VCF-style: chr10-112724684-A-G.
Other names: c.568A>G, p.Arg190Gly (NM_001269039.3, NM_001324336.2, NM_001324337.2); short protein forms R190G.
Identifiers: ClinVar variation 1896072 (VCV001896072.5), dbSNP rs2493840131, ClinGen allele CA378386076.
Genomic context (GRCh38, chr10:110,964,926, plus strand): 5'-AAGCTGCGGATGCTTGATTTACGGCATAATAAACTGAGAGAAATTCCTTCAGTGGTGTAT[A>G]GGCTGGATTCTCTCACCACTCTTTACCTTCGCTTTAATCGTATAACTACTGTGGAAAAGG-3'
Protein context (NP_031399.2, residues 180-200): KLREIPSVVY[Arg190Gly]LDSLTTLYLR